The following is an entry in ClinVar:

ClinVar aggregate classification (germline): Uncertain significance. Review status: criteria provided, multiple submitters, no conflicts (2 of 4 stars). 3 submissions from 3 submitters: Uncertain significance (3). Last evaluated 2024-08-05.

Conditions:
Hereditary cancer-predisposing syndrome. Also called: Tumor predisposition; Hereditary neoplastic syndrome; Neoplastic Syndromes, Hereditary; Hereditary Cancer Syndrome. Identifiers: Orphanet 140162, MedGen C0027672, MeSH D009386, MONDO:0015356.
Familial adenomatous polyposis 1 (FAP1). Also called: POLYPOSIS, ADENOMATOUS INTESTINAL; FAMILIAL ADENOMATOUS POLYPOSIS 1, ATTENUATED. Identifiers: MedGen C2713442, MONDO:0021056, OMIM 175100. Disease mechanism: loss of function.

Allele frequency attached by ClinVar (database versions not stated): gnomAD exomes below 0.00001.
gnomAD v4.1: 3 of 1,606,840 alleles (0.00019%); highest among the groups gnomAD compares: Non-Finnish European, 0.00026%; no homozygotes.

Submissions (3):

Ambry Genetics
Classification: Uncertain significance for Hereditary cancer-predisposing syndrome. Last evaluated: 2024-08-05. Review status: criteria provided, single submitter. Criteria: Ambry Variant Classification Scheme 2023. Collection method: clinical testing. Allele origin: germline.
Comment: The p.L51V variant (also known as c.151C>G), located in coding exon 2 of the APC gene, results from a C to G substitution at nucleotide position 151. The leucine at codon 51 is replaced by valine, an amino acid with highly similar properties. This amino acid position is conserved. In addition, in silico predictors for this gene do not accurately predict pathogenicity. Based on the available evidence, the clinical significance of this variant remains unclear.

Baylor Genetics
Classification: Uncertain significance for Familial adenomatous polyposis 1. Last evaluated: 2023-12-14. Review status: criteria provided, single submitter. Criteria: ACMG Guidelines, 2015. Collection method: clinical testing. Allele origin: unknown.

Labcorp Genetics (formerly Invitae), Labcorp
Classification: Uncertain significance for Familial adenomatous polyposis 1. Last evaluated: 2019-09-02. Review status: criteria provided, single submitter. Criteria: Invitae Variant Classification Sherloc (09022015). Collection method: clinical testing. Allele origin: germline.
Comment: In summary, the available evidence is currently insufficient to determine the role of this variant in disease. Therefore, it has been classified as a Variant of Uncertain Significance. Algorithms developed to predict the effect of missense changes on protein structure and function are either unavailable or do not agree on the potential impact of this missense change (SIFT: "Tolerated"; PolyPhen-2: "Probably Damaging"; Align-GVGD: "Class C0"). This variant has not been reported in the literature in individuals with APC-related conditions. This variant is not present in population databases (ExAC no frequency). This sequence change replaces leucine with valine at codon 51 of the APC protein (p.Leu51Val). The leucine residue is highly conserved and there is a small physicochemical difference between leucine and valine.

NM_000038.6(APC):c.151C>G (p.Leu51Val)

Gene: APC (APC regulator of Wnt signaling pathway; plus strand). Cytogenetic location: 5q22.2.
Variant type: single nucleotide variant.
Coding change: c.151C>G on transcript NM_000038.6 (MANE Select); coding-DNA position 151, C replaced by G.
Protein change: p.Leu51Val; replaces leucine 51 with valine.
Molecular consequence: missense variant. On other transcripts: 5 prime UTR variant (4).
Genome position (GRCh38, 1-based): chr5:112,766,341, C>G. VCF-style: chr5-112766341-C-G. GRCh37 (hg19) VCF-style: chr5-112102038-C-G.
Other names: c.151C>G, p.Leu51Val (NM_001127510.3, NM_001354895.2, NM_001354896.2 and 2 more transcripts); c.181C>G, p.Leu61Val (NM_001127511.3, NM_001354897.2, NM_001354902.2); c.76C>G, p.Leu26Val (NM_001354898.2, NM_001354904.2); c.-27C>G (NM_001354900.2, NM_001354901.2, NM_001354905.2); c.-885C>G (NM_001354906.2); short protein forms L61V, L26V, L51V.
Identifiers: ClinVar variation 960147 (VCV000960147.13), dbSNP rs1554069497, ClinGen allele CA16021677.